The following is an entry in ClinVar:

NM_002528.7(NTHL1):c.60dup (p.Pro21fs)

Gene: NTHL1 (nth like DNA glycosylase 1; minus strand). Cytogenetic location: 16p13.3.
Variant type: Duplication.
Coding change: c.60dup on transcript NM_002528.7 (MANE Select); coding-DNA position 60, one base duplicated (G; older notation c.60dupG).
Protein change: p.Pro21fs; shifts the reading frame from proline 21.
Molecular consequence: frameshift variant. On other transcripts: 5 prime UTR variant (1).
Genome position (GRCh38, 1-based): chr16:2,047,764, C duplicated on the plus strand (G on the coding strand, the reverse complement: NTHL1 is on the minus strand); the first of 3 consecutive C bases (chr16:2,047,764-2,047,766); duplicating any one gives the same sequence. VCF-style (leftmost placement, unchanged base first): chr16-2047763-G-GC. GRCh37 (hg19) VCF-style: chr16-2097764-G-GC.
Other names: c.60dup, p.Pro21fs (NM_001318193.2); c.-119dup (NM_001318194.2); short protein forms P21fs.
Identifiers: ClinVar variation 3222683 (VCV003222683.1), dbSNP rs2548331710, ClinGen allele CA2825002334.
Genomic context (GRCh38, chr16:2,047,763, plus strand): 5'-CGCTACCTGCTGCAGCCTCTCTTCTCCGGAGAGGCCCGGGCTCCTCCCTACACCCCCGCG[G>GC]CCCAGCCCCGGGTCCCAGGCTCCGGCTCCGGGTCAGCATCCTCGCGCTCAAGGCGGTCAT-3'

ClinVar aggregate classification (germline): Likely pathogenic (1 of 4 stars; one submission).

Conditions:
Hereditary cancer-predisposing syndrome. Also called: Tumor predisposition; Hereditary neoplastic syndrome; Hereditary Cancer Syndrome; Neoplastic Syndromes, Hereditary. Identifiers: Orphanet 140162, MedGen C0027672, MeSH D009386, MONDO:0015356.

Submission:

Ambry Genetics
Classification: Likely pathogenic for Hereditary cancer-predisposing syndrome. Last evaluated: 2024-01-19. Review status: criteria provided, single submitter. Criteria: Ambry Variant Classification Scheme 2023. Collection method: clinical testing. Allele origin: germline.
Comment: The c.84dupG variant, located in coding exon 1 of the NTHL1 gene, results from a duplication of G at nucleotide position 84, causing a translational frameshift with a predicted alternate stop codon (p.P29Afs*5). The predicted stop codon occurs in the 5&rsquo; end of theNTHL1 gene. Premature termination codons in the 5&rsquo; end of a gene have been reported to escape nonsense-mediated mRNAdecay and/or lead to re-initiation (Rivas et al. Science. 2015 May 8;348(6235):666-9; Lindeboom et al. Nat Genet. 2016 Oct;48(10):1112-8; Rhee et al. Sci Rep. 2017 May 10;7(1):1653). Direct evidence for this alteration is unavailable, however premature termination codons are typically deleterious in nature. This variant is considered to be rare based on population cohorts in the Genome Aggregation Database (gnomAD). Based on the majority of available evidence to date, this variant is likely to be pathogenic.